The following is an entry in ClinVar:

ClinVar aggregate classification (germline): Uncertain significance (1 of 4 stars; one submission).

Allele frequency attached by ClinVar (database versions not stated): gnomAD exomes below 0.00001 and 0.00001; ExAC 0.00002; gnomAD 0.00004; ESP Exome Variant Server 0.00008; TOPMed 0.00009.
gnomAD v4.1: 10 of 1,613,866 alleles (0.00062%); highest among the groups gnomAD compares: Admixed American, 0.012%; no homozygotes.

Submission:

Labcorp Genetics (formerly Invitae), Labcorp
Classification: Uncertain significance. Last evaluated: 2024-10-28. Review status: criteria provided, single submitter. Criteria: Invitae Variant Classification Sherloc (09022015). Collection method: clinical testing. Allele origin: germline.
Comment: This sequence change replaces aspartic acid, which is acidic and polar, with glycine, which is neutral and non-polar, at codon 358 of the C8A protein (p.Asp358Gly). This variant is present in population databases (rs145449959, gnomAD 0.0009%). This variant has not been reported in the literature in individuals affected with C8A-related conditions. ClinVar contains an entry for this variant (Variation ID: 1431933). An algorithm developed to predict the effect of missense changes on protein structure and function (PolyPhen-2) suggests that this variant is likely to be tolerated. In summary, the available evidence is currently insufficient to determine the role of this variant in disease. Therefore, it has been classified as a Variant of Uncertain Significance.

NM_000562.3(C8A):c.1073A>G (p.Asp358Gly)

Gene: C8A (complement C8 alpha chain; plus strand). Cytogenetic location: 1p32.2.
Variant type: single nucleotide variant.
Coding change: c.1073A>G on transcript NM_000562.3 (MANE Select); coding-DNA position 1073, A replaced by G.
Protein change: p.Asp358Gly; replaces aspartic acid 358 with glycine.
Molecular consequence: missense variant.
Genome position (GRCh38, 1-based): chr1:56,886,144, A>G. VCF-style: chr1-56886144-A-G. GRCh37 (hg19) VCF-style: chr1-57351817-A-G.
Other names: short protein forms D358G.
Identifiers: ClinVar variation 1431933 (VCV001431933.7), dbSNP rs145449959, ClinGen allele CA875221.